The following is an entry in ClinVar:

NM_003289.4(TPM2):c.320del (p.Ala107fs)

Gene: TPM2 (tropomyosin 2; minus strand). Cytogenetic location: 9p13.3.
Variant type: Deletion.
Coding change: c.320del on transcript NM_003289.4 (MANE Select); coding-DNA position 320, one base deleted (C; older notation c.320delC).
Protein change: p.Ala107fs; shifts the reading frame from alanine 107.
Molecular consequence: frameshift variant.
Genome position (GRCh38, 1-based): chr9:35,685,701, G deleted on the plus strand (C on the coding strand, the reverse complement: TPM2 is on the minus strand). VCF-style (leftmost placement, unchanged base first): chr9-35685700-AG-A. GRCh37 (hg19) VCF-style: chr9-35685697-AG-A.
Other names: c.320delC (NM_003289.3); c.320del, p.Ala107fs (NM_001301226.2, NM_001301227.2, NM_213674.1); short protein forms A107fs.
Identifiers: ClinVar variation 451987 (VCV000451987.2), dbSNP rs775399371, ClinGen allele CA5047398.
Genomic context (GRCh38, chr9:35,685,700, plus strand): 5'-TGACCACCTCTCGCTCTCATCAGCCGCCTTCTCGGCCTCCTCCAGCTTCTGCAGGGCTGT[AG>A]CCAGGCGCTCCTGGGCCCGGTCCAGCTCCTCCTCAACCAGCTGAATGCGGCGGTTCAGGG-3'

ClinVar aggregate classification (germline): Pathogenic (1 of 4 stars; one submission).

Allele frequency attached by ClinVar (database versions not stated): gnomAD exomes below 0.00001; ExAC 0.00001; ESP Exome Variant Server 0.00008.

Submission:

GeneDx
Classification: Pathogenic. Last evaluated: 2017-09-20. Review status: criteria provided, single submitter. Criteria: GeneDx Variant Classification (06012015). Collection method: clinical testing. Allele origin: germline. Affected: yes.
Comment: The c.320delC variant in the TPM2 gene has not been reported previously as a pathogenic variant nor as a benign variant, to our knowledge. The c.320delC variant causes a frameshift starting with codon Alanine 107, changes this amino acid to a Valine residue, and creates a premature Stop codon at position 21 of the new reading frame, denoted p.A107VfsX21. This variant is predicted to cause loss of normal protein function either through protein truncation or nonsense-mediated mRNA decay. The c.320delC variant is not observed at a significant frequency in large population cohorts (Lek et al., 2016; 1000 Genomes Consortium et al., 2015; Exome Variant Server). We interpret c.320delC as a pathogenic variant.